The following is an entry in ClinVar:

NC_000012.12:g.(?_132660959)_(132661174_?)del

Gene: POLE (DNA polymerase epsilon, catalytic subunit; minus strand). Cytogenetic location: 12q24.33.
Variant type: Deletion.
Identifiers: ClinVar variation 649640 (VCV000649640.8).

ClinVar aggregate classification (germline): Pathogenic (1 of 4 stars; one submission).

Submission:

Labcorp Genetics (formerly Invitae), Labcorp
Classification: Pathogenic. Last evaluated: 2022-05-12. Review status: criteria provided, single submitter. Criteria: Invitae Variant Classification Sherloc (09022015). Collection method: clinical testing. Allele origin: germline.
Comment: For these reasons, this variant has been classified as Pathogenic. This variant has not been reported in the literature in individuals affected with POLE-related conditions. This variant is a gross deletion of the genomic region encompassing exon(s) 25 of the POLE gene. This deletion is out-of-frame, and is expected to create a premature termination codon and result in an absent or disrupted protein product. Loss-of-function variants in POLE are known to be pathogenic (PMID: 23230001, 25948378, 30503519).

Literature cited by the submitters: PubMed 23230001; PubMed 25948378; PubMed 30503519.